The following is an entry in ClinVar:

ClinVar aggregate classification (germline): Likely pathogenic. Review status: criteria provided, multiple submitters, no conflicts (2 of 4 stars). 3 submissions from 2 submitters: Likely pathogenic (3). Last evaluated 2025-07-23.

Conditions:
Cardiovascular phenotype. Identifiers: MedGen CN230736.
Dilated cardiomyopathy 1G (CMD1G). Identifiers: Orphanet 154, MedGen C1858763, MONDO:0011400, OMIM 604145.
Autosomal recessive limb-girdle muscular dystrophy type 2J (LGMDR10). Also called: Limb-girdle muscular dystrophy, type 2J; MUSCULAR DYSTROPHY, LIMB-GIRDLE, AUTOSOMAL RECESSIVE 10. Identifiers: Orphanet 140922, MedGen C1837342, MONDO:0012127, OMIM 608807.

Submissions (3):

Labcorp Genetics (formerly Invitae), Labcorp
Classification: Likely pathogenic for Dilated cardiomyopathy 1G; Autosomal recessive limb-girdle muscular dystrophy type 2J. Last evaluated: 2025-07-23. Review status: criteria provided, single submitter. Criteria: Invitae Variant Classification Sherloc (09022015). Collection method: clinical testing. Allele origin: germline.
Comment: This sequence change creates a premature translational stop signal (p.Trp23748Glyfs*12) in the TTN gene. While this is not anticipated to result in nonsense mediated decay, it is expected to create a truncated TTN protein. This variant is not present in population databases (gnomAD no frequency). This variant has not been reported in the literature in individuals affected with TTN-related conditions. ClinVar contains an entry for this variant (Variation ID: 404967). This variant is located in the A band of TTN (PMID: 25589632). Truncating variants in this region are significantly overrepresented in patients affected with dilated cardiomyopathy (PMID: 25589632). Truncating variants in this region have also been reported in individuals affected with autosomal recessive centronuclear myopathy (PMID: 23975875). In summary, the currently available evidence indicates that the variant is pathogenic, but additional data are needed to prove that conclusively. Therefore, this variant has been classified as Likely Pathogenic.

Ambry Genetics
Classification: Likely pathogenic for Cardiovascular phenotype. Last evaluated: 2022-01-12. Review status: criteria provided, single submitter. Criteria: Ambry Variant Classification Scheme 2023. Collection method: clinical testing. Allele origin: germline.
Comment: The c.44047delT variant, located in coding exon 153 of the TTN gene, results from a deletion of one nucleotide at nucleotide position 44047, causing a translational frameshift with a predicted alternate stop codon (p.W14683Gfs*12). This exon is located in the A-band region of the N2-B isoform of the titin protein and is constitutively expressed in TTN transcripts (percent spliced in or PSI 100%). This variant is considered to be rare based on population cohorts in the Genome Aggregation Database (gnomAD). This alteration is expected to result in loss of function by premature protein truncation or nonsense-mediated mRNA decay. While truncating variants in TTN are present in 1-3% of the general population, truncating variants in the A-band are the most common cause of dilated cardiomyopathy (DCM) (Herman DS et al. N. Engl. J. Med., 2012 Feb;366:619-28; Roberts AM et al. Sci Transl Med, 2015 Jan;7:270ra6). TTN truncating variants encoded in constitutive exons (PSI >90%) have been found to be significantly associated with DCM regardless of their position in titin (Schafer S et al. Nat. Genet., 2017 01;49:46-53). As such, this alteration is classified as likely pathogenic.

Labcorp Genetics (formerly Invitae), Labcorp
Classification: Likely pathogenic for Dilated cardiomyopathy 1G. Last evaluated: 2016-05-27. Review status: criteria provided, single submitter. Criteria: Invitae Variant Classification Sherloc (09022015). Collection method: clinical testing. Allele origin: germline.
Comment: This sequence change deletes 1 nucleotide from exon 326 of the TTN mRNA (c.71242delT), causing a frameshift at codon 23748. This creates a premature translational stop signal (p.Trp23748Glyfs*12) and is expected to result in an absent or disrupted protein product. This variant is found in the A-band of the TTN gene. While this particular variant has not been reported in the literature, truncating variants in the A-band of TTN are significantly overrepresented in patients with dilated cardiomyopathy and are considered to be likely pathogenic for the disease (PMID: 25589632). For these reasons, this variant has been classified as Likely Pathogenic.

Literature cited by the submitters: PubMed 25589632 (cited by Labcorp Genetics (formerly Invitae), Labcorp); PubMed 23975875 (cited by Labcorp Genetics (formerly Invitae), Labcorp).

NM_001267550.2(TTN):c.71242del (p.Trp23748fs)

Genes: TTN (titin; minus strand), TTN-AS1 (TTN antisense RNA 1; plus strand). Cytogenetic location: 2q31.2.
Variant type: Deletion.
Coding change: c.71242del on transcript NM_001267550.2 (MANE Select); coding-DNA position 71242, one base deleted (T; older notation c.71242delT).
Protein change: p.Trp23748fs; shifts the reading frame from tryptophan 23748.
Molecular consequence: frameshift variant.
Genome position (GRCh38, 1-based): chr2:178,574,890, A deleted on the plus strand (T on the coding strand, the reverse complement: TTN is on the minus strand); the first of 2 consecutive A bases (chr2:178,574,890-178,574,891); deleting either gives the same sequence. VCF-style (leftmost placement, unchanged base first): chr2-178574889-CA-C. GRCh37 (hg19) VCF-style: chr2-179439616-CA-C.
Other names: c.71242delT (NM_001267550.2); c.66319del, p.Trp22107fs (NM_001256850.1); c.44047del, p.Trp14683fs (NM_003319.4); c.63538del, p.Trp21180fs (NM_133378.4); c.44422del, p.Trp14808fs (NM_133432.3); c.44623del, p.Trp14875fs (NM_133437.4); c.44047delT (NM_003319.4); short protein forms W14683fs, W22107fs, W23748fs, W14808fs, W14875fs, W21180fs.
Identifiers: ClinVar variation 404967 (VCV000404967.12), dbSNP rs1060500514, ClinGen allele CA16610325.